The following is an entry in ClinVar:

ClinVar aggregate classification (germline): Likely benign. Review status: criteria provided, multiple submitters, no conflicts (2 of 4 stars). 5 submissions from 5 submitters: Likely benign (5). Last evaluated 2025-08-11.

Conditions:
Retinal dystrophy. Also called: Inherited retinal dystrophy. Identifiers: Orphanet 71862, MedGen C0854723, MeSH D058499, MONDO:0019118, HP:0000556.
HK1-related disorder. Also called: HK1-related disorders; HK1-related condition.

Allele frequency attached by ClinVar (database versions not stated): gnomAD 0.00001; ExAC 0.00002; gnomAD exomes 0.00003 and 0.00008; TOPMed 0.00005.
gnomAD v4.1: 46 of 1,614,040 alleles (0.0028%); highest among the groups gnomAD compares: Admixed American, 0.022%; no homozygotes.

Submissions (5):

Labcorp Genetics (formerly Invitae), Labcorp
Classification: Likely benign. Last evaluated: 2025-08-11. Review status: criteria provided, single submitter. Criteria: Invitae Variant Classification Sherloc (09022015). Collection method: clinical testing. Allele origin: germline.

CeGaT Center for Human Genetics Tuebingen
Classification: Likely benign. Last evaluated: 2024-12-01. Review status: criteria provided, single submitter. Criteria: CeGaT Center For Human Genetics Tuebingen Variant Classification Criteria Version 2. Collection method: clinical testing. Allele origin: germline. Affected: yes. Observed: 1 variant allele.
Comment: HK1: BP4, BP7

PreventionGenetics, part of Exact Sciences
Classification: Likely benign for HK1-related condition. Last evaluated: 2024-10-25. Review status: criteria provided, single submitter. Criteria: ACMG Guidelines, 2015. Collection method: clinical testing. Allele origin: germline.
Comment: This variant is classified as likely benign based on ACMG/AMP sequence variant interpretation guidelines (Richards et al. 2015 PMID: 25741868, with internal and published modifications).

Dept Of Ophthalmology, Nagoya University
Classification: Likely benign for Retinal dystrophy. Last evaluated: 2023-10-01. Review status: criteria provided, single submitter. Criteria: Submitter's publication. Collection method: research. Allele origin: germline. Affected: yes.

Blueprint Genetics
Classification: Likely benign. Last evaluated: 2022-03-23. Review status: criteria provided, single submitter. Criteria: ACMG Guidelines, 2015. Collection method: clinical testing. Allele origin: germline.

NM_000188.3(HK1):c.1092C>T (p.Ser364=)

Gene: HK1 (hexokinase 1; plus strand). Cytogenetic location: 10q22.1.
Variant type: single nucleotide variant.
Coding change: c.1092C>T on transcript NM_000188.3 (MANE Select); coding-DNA position 1092, C replaced by T.
Protein change: p.Ser364=; no amino-acid change (serine 364 retained).
Molecular consequence: synonymous variant.
Genome position (GRCh38, 1-based): chr10:69,379,922, C>T. VCF-style: chr10-69379922-C-T. GRCh37 (hg19) VCF-style: chr10-71139678-C-T.
Other names: c.1104C>T, p.Ser368= (NM_033498.3, NM_001358263.1, NM_033497.3 and 1 more transcripts); c.1056C>T, p.Ser352= (NM_033500.2); c.996C>T, p.Ser332= (NM_001322367.1); c.1089C>T, p.Ser363= (NM_033496.3); c.1197C>T, p.Ser399= (NM_001322365.2); c.1008C>T, p.Ser336= (NM_001322366.1); c.1092C>T (NM_000188.2).
Identifiers: ClinVar variation 1129484 (VCV001129484.25), dbSNP rs755245138, ClinGen allele CA5532507.